The following is an entry in ClinVar:

ClinVar aggregate classification (germline): Uncertain significance. Review status: criteria provided, multiple submitters, no conflicts (2 of 4 stars). 5 submissions from 5 submitters: Uncertain significance (5). Last evaluated 2025-08-05.

Conditions:
Multiple endocrine neoplasia type 2B. Also called: Multiple endocrine neoplasia, type 3; MEN 2B; MULTIPLE ENDOCRINE NEOPLASIA, TYPE IIB; MUCOSAL NEUROMA SYNDROME; Multiple Endocrine Neoplasia Type 2B (MEN2B); MEN IIB. Identifiers: Orphanet 247709, Orphanet 653, MedGen C0025269, MeSH D018814, MONDO:0008082, OMIM 162300.
Hirschsprung disease, susceptibility to, 1 (HSCR1). Also called: RET-Related Hirschsprung Disease. Identifiers: Orphanet 388, MedGen C3888239, MONDO:0007723, OMIM 142623.
Pheochromocytoma. Also called: MAX-Related Hereditary Paraganglioma-Pheochromocytoma Syndrome. Identifiers: Orphanet 29072, MedGen C0031511, MONDO:0008233, OMIM 171300, HP:0002666.
Multiple endocrine neoplasia type 2A. Also called: MULTIPLE ENDOCRINE NEOPLASIA, TYPE IIA; PTC SYNDROME; SIPPLE SYNDROME; MEN 2A; MEN-2A syndrome; Pheochromocytoma and amyloid producing medullary thyroid carcinoma. Identifiers: Orphanet 247698, Orphanet 653, MedGen C0025268, MeSH D018813, MONDO:0008234, OMIM 171400.
Familial medullary thyroid carcinoma (MTC). Also called: Thyroid cancer, familial medullary; MTC, familial; Familial Medullary Thyroid Carcinoma (FMTC). Identifiers: Orphanet 653, Orphanet 99361, MedGen C1833921, MONDO:0007958, OMIM 155240.
Multiple endocrine neoplasia, type 2 (MEN2). Identifiers: Orphanet 653, MedGen C4048306, MONDO:0019003. Disease mechanism: gain of function.
Hereditary cancer-predisposing syndrome. Also called: Hereditary Cancer Syndrome; Hereditary neoplastic syndrome; Tumor predisposition; Neoplastic Syndromes, Hereditary. Identifiers: Orphanet 140162, MedGen C0027672, MeSH D009386, MONDO:0015356.

Allele frequency attached by ClinVar (database versions not stated): gnomAD exomes 0.00001.
gnomAD v4.1: 7 of 1,612,560 alleles (0.00043%); highest among the groups gnomAD compares: East Asian, 0.0022%; no homozygotes.

Submissions (5):

Labcorp Genetics (formerly Invitae), Labcorp
Classification: Uncertain significance for Multiple endocrine neoplasia, type 2. Last evaluated: 2025-08-05. Review status: criteria provided, single submitter. Criteria: Invitae Variant Classification Sherloc (09022015). Collection method: clinical testing. Allele origin: germline.
Comment: This sequence change replaces glutamine, which is neutral and polar, with glutamic acid, which is acidic and polar, at codon 910 of the RET protein (p.Gln910Glu). This variant is present in population databases (no rsID available, gnomAD 0.006%). This variant has not been reported in the literature in individuals affected with RET-related conditions. ClinVar contains an entry for this variant (Variation ID: 1009074). An algorithm developed to predict the effect of missense changes on protein structure and function (PolyPhen-2) suggests that this variant is likely to be tolerated. In summary, the available evidence is currently insufficient to determine the role of this variant in disease. Therefore, it has been classified as a Variant of Uncertain Significance.

Fulgent Genetics
Classification: Uncertain significance for Hirschsprung disease, susceptibility to, 1; Familial medullary thyroid carcinoma; Multiple endocrine neoplasia type 2B; Pheochromocytoma; Multiple endocrine neoplasia type 2A. Last evaluated: 2024-06-09. Review status: criteria provided, single submitter. Criteria: ACMG Guidelines, 2015. Collection method: clinical testing. Allele origin: germline.

All of Us Research Program, National Institutes of Health
Classification: Uncertain significance for Multiple endocrine neoplasia, type 2. Last evaluated: 2024-05-14. Review status: criteria provided, single submitter. Criteria: ACMG Guidelines, 2015. Collection method: clinical testing. Allele origin: germline. Inheritance: Autosomal dominant inheritance. Observed: 1 variant allele, 1 heterozygote.
Comment: This missense variant replaces glutamine with glutamic acid at codon 910 of the RET protein. Computational prediction suggests that this variant may not impact protein structure and function (internally defined REVEL score threshold <= 0.5, PMID: 27666373). To our knowledge, functional studies have not been reported for this variant. This variant has not been reported in individuals affected with RET-related disorders in the literature. This variant has been identified in 2/249726 chromosomes in the general population by the Genome Aggregation Database (gnomAD). The available evidence is insufficient to determine the role of this variant in disease conclusively. Therefore, this variant is classified as a Variant of Uncertain Significance.

This study involves interpretation of variants in research participants for the purpose of population health screening. Participant phenotype was not available at the time of variant classification. Additional details can be found in publication PMID: 35346344, PMCID: PMC8962531

Ambry Genetics
Classification: Uncertain significance for Hereditary cancer-predisposing syndrome. Last evaluated: 2023-12-29. Review status: criteria provided, single submitter. Criteria: Ambry Variant Classification Scheme 2023. Collection method: clinical testing. Allele origin: germline.
Comment: The p.Q910E variant (also known as c.2728C>G), located in coding exon 15 of the RET gene, results from a C to G substitution at nucleotide position 2728. The glutamine at codon 910 is replaced by glutamic acid, an amino acid with highly similar properties. This amino acid position is poorly conserved in available vertebrate species. In addition, this alteration is predicted to be tolerated by in silico analysis. Since supporting evidence is limited at this time, the clinical significance of this alteration remains unclear.

GeneDx
Classification: Uncertain significance. Last evaluated: 2023-12-28. Review status: criteria provided, single submitter. Criteria: GeneDx Variant Classification Process June 2021. Collection method: clinical testing. Allele origin: germline. Affected: yes.
Comment: Not observed at significant frequency in large population cohorts (gnomAD); Has not been previously published as pathogenic or benign to our knowledge; In silico analysis supports that this missense variant does not alter protein structure/function; In silico analysis suggests this variant may impact gene splicing. In the absence of RNA/functional studies, the actual effect of this sequence change is unknown.; This variant is associated with the following publications: (PMID: 14633923)

NM_020975.6(RET):c.2728C>G (p.Gln910Glu)

Gene: RET (ret proto-oncogene; plus strand). Cytogenetic location: 10q11.21.
Variant type: single nucleotide variant.
Coding change: c.2728C>G on transcript NM_020975.6 (MANE Select); coding-DNA position 2728, C replaced by G.
Protein change: p.Gln910Glu; replaces glutamine 910 with glutamic acid.
Molecular consequence: missense variant.
Genome position (GRCh38, 1-based): chr10:43,120,201, C>G. VCF-style: chr10-43120201-C-G. GRCh37 (hg19) VCF-style: chr10-43615649-C-G.
Other names: c.2728C>G, p.Gln910Glu (NM_001406760.1, NM_000323.2, NM_001406743.1 and 4 more transcripts); c.2599C>G, p.Gln867Glu (NM_001406761.1, NM_001406762.1, NM_001406764.1); c.2593C>G, p.Gln865Glu (NM_001406763.1, NM_001406765.1); c.2440C>G, p.Gln814Glu (NM_001406766.1, NM_001406767.1, NM_001406770.1); c.2464C>G, p.Gln822Glu (NM_001406768.1); c.2332C>G, p.Gln778Glu (NM_001406769.1, NM_001406772.1); c.1831C>G, p.Gln611Glu (NM_001406779.1, NM_001406780.1, NM_001406781.1 and 1 more transcripts); c.1702C>G, p.Gln568Glu (NM_001406783.1, NM_001406786.1); and 10 more; short protein forms Q656E, Q910E, Q568E, Q822E, Q865E, Q427E, Q566E, Q571E.
Identifiers: ClinVar variation 1009074 (VCV001009074.15), dbSNP rs1282729859, ClinGen allele CA376557316.